The following is an entry in ClinVar:

NM_001099287.2(NIPAL4):c.919G>A (p.Val307Ile)

Gene: NIPAL4 (NIPA like domain containing 4; plus strand). Cytogenetic location: 5q33.3.
Variant type: single nucleotide variant.
Coding change: c.919G>A on transcript NM_001099287.2 (MANE Select); coding-DNA position 919, G replaced by A.
Protein change: p.Val307Ile; replaces valine 307 with isoleucine.
Molecular consequence: missense variant.
Genome position (GRCh38, 1-based): chr5:157,472,664, G>A. VCF-style: chr5-157472664-G-A. GRCh37 (hg19) VCF-style: chr5-156899672-G-A.
Other names: c.862G>A, p.Val288Ile (NM_001172292.2); short protein forms V369I, V350I, V307I, V288I.
Identifiers: ClinVar variation 352521 (VCV000352521.11), dbSNP rs137909022, ClinGen allele CA3534749.

ClinVar aggregate classification (germline): Conflicting classifications of pathogenicity. Review status: criteria provided, conflicting classifications (1 of 4 stars). 3 submissions from 3 submitters: Uncertain significance (2); Likely benign (1). Last evaluated 2022-10-01.

Conditions:
Autosomal recessive congenital ichthyosis 6 (ARCI6). Identifiers: Orphanet 313, Orphanet 79394, MedGen C2677065, MONDO:0012847, OMIM 612281.

Allele frequency attached by ClinVar (database versions not stated): ESP Exome Variant Server 0.00031; gnomAD 0.00037 and 0.00047; gnomAD exomes 0.00041 and 0.00045; TOPMed 0.00042; 1000 Genomes Project 30x 0.00047; ExAC 0.00052; 1000 Genomes Project 0.00060.
gnomAD v4.1: 692 of 1,613,884 alleles (0.043%); highest among the groups gnomAD compares: Middle Eastern, 0.18%; 5 homozygotes.

Submissions (3):

Labcorp Genetics (formerly Invitae), Labcorp
Classification: Uncertain significance. Last evaluated: 2022-10-01. Review status: criteria provided, single submitter. Criteria: Invitae Variant Classification Sherloc (09022015). Collection method: clinical testing. Allele origin: germline.
Comment: This sequence change replaces valine, which is neutral and non-polar, with isoleucine, which is neutral and non-polar, at codon 369 of the NIPAL4 protein (p.Val369Ile). In summary, the available evidence is currently insufficient to determine the role of this variant in disease. Therefore, it has been classified as a Variant of Uncertain Significance. Advanced modeling of protein sequence and biophysical properties (such as structural, functional, and spatial information, amino acid conservation, physicochemical variation, residue mobility, and thermodynamic stability) performed at Invitae indicates that this missense variant is not expected to disrupt NIPAL4 protein function. ClinVar contains an entry for this variant (Variation ID: 352521). This variant has not been reported in the literature in individuals affected with NIPAL4-related conditions. This variant is present in population databases (rs137909022, gnomAD 0.1%), and has an allele count higher than expected for a pathogenic variant.

GeneDx
Classification: Likely benign. Last evaluated: 2018-08-22. Review status: criteria provided, single submitter. Criteria: GeneDx Variant Classification Process June 2021. Collection method: clinical testing. Allele origin: germline. Affected: yes.

Illumina Laboratory Services, Illumina
Classification: Uncertain significance for Autosomal recessive congenital ichthyosis 6. Last evaluated: 2018-01-13. Review status: criteria provided, single submitter. Criteria: ICSL Variant Classification Criteria 13 December 2019. Collection method: clinical testing. Allele origin: germline.